The following is an entry in ClinVar:

ClinVar aggregate classification (germline): Uncertain significance (1 of 4 stars; one submission).

Conditions:
Inborn genetic diseases. Identifiers: MedGen C0950123, MeSH D030342.

Submission:

Ambry Genetics
Classification: Uncertain significance for Inborn genetic diseases. Last evaluated: 2024-11-30. Review status: criteria provided, single submitter. Criteria: Ambry Variant Classification Scheme 2023. Collection method: clinical testing. Allele origin: germline.
Comment: The p.Q1439H variant (also known as c.4317A>C), located in coding exon 1 of the SAMD9L gene, results from an A to C substitution at nucleotide position 4317. The glutamine at codon 1439 is replaced by histidine, an amino acid with highly similar properties. This amino acid position is conserved. In addition, this alteration is predicted to be tolerated by in silico analysis. Based on the available evidence, the clinical significance of this variant remains unclear.

NM_152703.5(SAMD9L):c.4317A>C (p.Gln1439His)

Gene: SAMD9L (sterile alpha motif domain containing 9 like; minus strand). Cytogenetic location: 7q21.2.
Variant type: single nucleotide variant.
Coding change: c.4317A>C on transcript NM_152703.5 (MANE Select); coding-DNA position 4317, A replaced by C.
Protein change: p.Gln1439His; replaces glutamine 1439 with histidine.
Molecular consequence: missense variant.
Genome position (GRCh38, 1-based): chr7:93,131,655, T>G on the plus strand (A>C on the coding strand, the complement: SAMD9L is on the minus strand). VCF-style: chr7-93131655-T-G. GRCh37 (hg19) VCF-style: chr7-92760968-T-G.
Other names: c.4317A>C, p.Gln1439His (NM_001303496.3, NM_001303497.3, NM_001303498.3 and 5 more transcripts); short protein forms Q1439H.
Identifiers: ClinVar variation 3437202 (VCV003437202.1).
Genomic context (GRCh38, chr7:93,131,655, plus strand): 5'-GAAGGATCTATTTAAGGATGAAACATACTTTTCTATTAGTTTGGAATCTTGATCTAGCTC[T>G]TGATTTTCTGGCCAGAACAGGAGGCAGGCCAAGAAATAAGGACCTGGATATTGATGACTT-3'
Protein context (NP_689916.2, residues 1429-1449): LACLLFWPEN[Gln1439His]ELDQDSKLIE